The following is an entry in ClinVar:

ClinVar aggregate classification (germline): Benign/Likely benign. Review status: criteria provided, multiple submitters, no conflicts (2 of 4 stars). 4 submissions from 4 submitters: Benign (1); Likely benign (3). Last evaluated 2025-08-02.

Conditions:
Hereditary nonpolyposis colorectal neoplasms. Identifiers: MedGen C0009405, MeSH D003123.
Hereditary cancer-predisposing syndrome. Also called: Tumor predisposition; Hereditary neoplastic syndrome; Hereditary Cancer Syndrome; Neoplastic Syndromes, Hereditary. Identifiers: Orphanet 140162, MedGen C0027672, MeSH D009386, MONDO:0015356.
Lynch syndrome 5 (LYNCH5). Also called: Hereditary non-polyposis colorectal cancer, type 5; Colorectal cancer, hereditary nonpolyposis, type 5. Identifiers: Orphanet 144, MedGen C1833477, MONDO:0013710, OMIM 614350. Disease mechanism: loss of function.

Submissions (4):

Ambry Genetics
Classification: Likely benign for Hereditary cancer-predisposing syndrome. Last evaluated: 2025-08-02. Review status: criteria provided, single submitter. Criteria: Ambry Variant Classification Scheme 2023. Collection method: clinical testing. Allele origin: germline.

Myriad Genetics, Inc.
Classification: Benign for Lynch syndrome 5. Last evaluated: 2024-12-30. Review status: criteria provided, single submitter. Criteria: Myriad Autosomal Dominant, Autosomal Recessive and X-Linked Classification Criteria (2023). Collection method: clinical testing. Allele origin: unknown.
Comment: This variant is considered benign. This variant is a silent/synonymous amino acid change and it is not expected to impact splicing.

Labcorp Genetics (formerly Invitae), Labcorp
Classification: Likely benign for Hereditary nonpolyposis colorectal neoplasms. Last evaluated: 2024-08-12. Review status: criteria provided, single submitter. Criteria: Invitae Variant Classification Sherloc (09022015). Collection method: clinical testing. Allele origin: germline.

Women's Health and Genetics/Laboratory Corporation of America, LabCorp
Classification: Likely benign. Last evaluated: 2023-09-14. Review status: criteria provided, single submitter. Criteria: LabCorp Variant Classification Summary - May 2015. Collection method: clinical testing. Allele origin: germline.

NM_000179.3(MSH6):c.2241G>T (p.Leu747=)

Gene: MSH6 (mutS homolog 6; plus strand). Cytogenetic location: 2p16.3.
Variant type: single nucleotide variant.
Coding change: c.2241G>T on transcript NM_000179.3 (MANE Select); coding-DNA position 2241, G replaced by T.
Protein change: p.Leu747=; no amino-acid change (leucine 747 retained).
Molecular consequence: synonymous variant.
Genome position (GRCh38, 1-based): chr2:47,800,224, G>T. VCF-style: chr2-47800224-G-T. GRCh37 (hg19) VCF-style: chr2-48027363-G-T.
Other names: c.2241G>T (NM_000179.2); c.1851G>T, p.Leu617= (NM_001281492.2); c.1335G>T, p.Leu445= (NM_001281493.2, NM_001281494.2).
Identifiers: ClinVar variation 1100248 (VCV001100248.12), dbSNP rs377722465, ClinGen allele CA426121355.
Genomic context (GRCh38, chr2:47,800,224, plus strand): 5'-CAAAGCCTATCAACGAATGGTGCTAGATGCAGTGACATTAAACAACTTGGAGATTTTTCT[G>T]AATGGAACAAATGGTTCTACTGAAGGAACCCTACTAGAGAGGGTTGATACTTGCCATACT-3'
Protein context (NP_000170.1, residues 737-757): AVTLNNLEIF[Leu747=]NGTNGSTEGT